The following is an entry in ClinVar:

NM_004525.3(LRP2):c.13138C>G (p.Pro4380Ala)

Gene: LRP2 (LDL receptor related protein 2; minus strand). Cytogenetic location: 2q31.1.
Variant type: single nucleotide variant.
Coding change: c.13138C>G on transcript NM_004525.3 (MANE Select); coding-DNA position 13138, C replaced by G.
Protein change: p.Pro4380Ala; replaces proline 4380 with alanine.
Molecular consequence: missense variant.
Genome position (GRCh38, 1-based): chr2:169,140,516, G>C on the plus strand (C>G on the coding strand, the complement: LRP2 is on the minus strand). VCF-style: chr2-169140516-G-C. GRCh37 (hg19) VCF-style: chr2-169997026-G-C.
Other names: short protein forms P4380A.
Identifiers: ClinVar variation 1421967 (VCV001421967.7), dbSNP rs765875054, ClinGen allele CA1952640.

ClinVar aggregate classification (germline): Conflicting classifications of pathogenicity. Review status: criteria provided, conflicting classifications (1 of 4 stars). 4 submissions from 4 submitters: Uncertain significance (3); Benign (1). Last evaluated 2025-02-16.

Conditions:
Donnai-Barrow syndrome. Also called: DBS/FOAR SYNDROME; FACIOOCULOACOUSTICORENAL SYNDROME. Identifiers: Orphanet 2143, MedGen C1857277, MONDO:0009104, OMIM 222448.

Allele frequency attached by ClinVar (database versions not stated): ExAC 0.00001; gnomAD 0.00003.
gnomAD v4.1: 46 of 1,613,732 alleles (0.0029%); highest among the groups gnomAD compares: Middle Eastern, 0.016%; no homozygotes.

Submissions (4):

Laboratory of Genetics, Children's Clinical University Hospital Latvia
Classification: Benign. Last evaluated: 2025-02-16. Review status: criteria provided, single submitter. Criteria: ACMG Guidelines, 2015. Collection method: clinical testing. Allele origin: germline. Affected: yes.

Blueprint Genetics
Classification: Uncertain significance. Last evaluated: 2024-08-26. Review status: criteria provided, single submitter. Criteria: ACMG Guidelines, 2015. Collection method: clinical testing. Allele origin: germline.

Fulgent Genetics
Classification: Uncertain significance for Donnai-Barrow syndrome. Last evaluated: 2024-03-01. Review status: criteria provided, single submitter. Criteria: ACMG Guidelines, 2015. Collection method: clinical testing. Allele origin: germline.

Labcorp Genetics (formerly Invitae), Labcorp
Classification: Uncertain significance. Last evaluated: 2024-02-24. Review status: criteria provided, single submitter. Criteria: Invitae Variant Classification Sherloc (09022015). Collection method: clinical testing. Allele origin: germline.
Comment: This sequence change replaces proline, which is neutral and non-polar, with alanine, which is neutral and non-polar, at codon 4380 of the LRP2 protein (p.Pro4380Ala). This variant is present in population databases (rs765875054, gnomAD 0.005%). This variant has not been reported in the literature in individuals affected with LRP2-related conditions. ClinVar contains an entry for this variant (Variation ID: 1421967). Advanced modeling of protein sequence and biophysical properties (such as structural, functional, and spatial information, amino acid conservation, physicochemical variation, residue mobility, and thermodynamic stability) performed at Invitae indicates that this missense variant is not expected to disrupt LRP2 protein function with a negative predictive value of 95%. In summary, the available evidence is currently insufficient to determine the role of this variant in disease. Therefore, it has been classified as a Variant of Uncertain Significance.